The following is an entry in ClinVar:

NM_004977.3(KCNC3):c.203C>A (p.Pro68Gln)

Gene: KCNC3 (potassium voltage-gated channel subfamily C member 3; minus strand). Cytogenetic location: 19q13.33.
Variant type: single nucleotide variant.
Coding change: c.203C>A on transcript NM_004977.3 (MANE Select); coding-DNA position 203, C replaced by A.
Protein change: p.Pro68Gln; replaces proline 68 with glutamine.
Molecular consequence: missense variant. On other transcripts: 5 prime UTR variant (1).
Genome position (GRCh38, 1-based): chr19:50,328,880, G>T on the plus strand (C>A on the coding strand, the complement: KCNC3 is on the minus strand). VCF-style: chr19-50328880-G-T. GRCh37 (hg19) VCF-style: chr19-50832137-G-T.
Other names: c.-26C>A (NM_001372305.1); short protein forms P68Q.
Identifiers: ClinVar variation 1423502 (VCV001423502.8), dbSNP rs2037141827, ClinGen allele CA406956294.

ClinVar aggregate classification (germline): Uncertain significance (1 of 4 stars; one submission).

Submission:

Labcorp Genetics (formerly Invitae), Labcorp
Classification: Uncertain significance. Last evaluated: 2023-08-17. Review status: criteria provided, single submitter. Criteria: Invitae Variant Classification Sherloc (09022015). Collection method: clinical testing. Allele origin: germline.
Comment: Advanced modeling of protein sequence and biophysical properties (such as structural, functional, and spatial information, amino acid conservation, physicochemical variation, residue mobility, and thermodynamic stability) performed at Invitae indicates that this missense variant is not expected to disrupt KCNC3 protein function. In summary, the available evidence is currently insufficient to determine the role of this variant in disease. Therefore, it has been classified as a Variant of Uncertain Significance. ClinVar contains an entry for this variant (Variation ID: 1423502). This variant has not been reported in the literature in individuals affected with KCNC3-related conditions. The frequency data for this variant in the population databases is considered unreliable, as metrics indicate insufficient coverage at this position in the gnomAD database. This sequence change replaces proline, which is neutral and non-polar, with glutamine, which is neutral and polar, at codon 68 of the KCNC3 protein (p.Pro68Gln).